The following is an entry in ClinVar:

ClinVar aggregate classification (germline): Uncertain significance (1 of 4 stars; one submission).

Conditions:
Symmetrical dyschromatosis of extremities (DSH). Also called: DYSCHROMATOSIS SYMMETRICA HEREDITARIA 1; RETICULATE ACROPIGMENTATION OF DOHI; SYMMETRIC DYSCHROMATOSIS OF THE EXTREMITIES; Dyschromatosis symmetrica hereditaria. Identifiers: Orphanet 41, MedGen C0406775, MONDO:0007483, OMIM 127400.
Aicardi-Goutieres syndrome 6 (AGS6). Identifiers: Orphanet 51, MedGen C3539013, MONDO:0014007, OMIM 615010.

Submission:

Labcorp Genetics (formerly Invitae), Labcorp
Classification: Uncertain significance for Aicardi-Goutieres syndrome 6; Symmetrical dyschromatosis of extremities. Last evaluated: 2025-06-12. Review status: criteria provided, single submitter. Criteria: Invitae Variant Classification Sherloc (09022015). Collection method: clinical testing. Allele origin: germline.
Comment: This sequence change replaces arginine, which is basic and polar, with glycine, which is neutral and non-polar, at codon 801 of the ADAR protein (p.Arg801Gly). This variant is present in population databases (no rsID available, gnomAD 0.007%). This variant has not been reported in the literature in individuals affected with ADAR-related conditions. ClinVar contains an entry for this variant (Variation ID: 2119714). Invitae Evidence Modeling of protein sequence and biophysical properties (such as structural, functional, and spatial information, amino acid conservation, physicochemical variation, residue mobility, and thermodynamic stability) has been performed for this missense variant. However, the output from this modeling did not meet the statistical confidence thresholds required to predict the impact of this variant on ADAR protein function. In summary, the available evidence is currently insufficient to determine the role of this variant in disease. Therefore, it has been classified as a Variant of Uncertain Significance.

NM_001111.5(ADAR):c.2401C>G (p.Arg801Gly)

Gene: ADAR (adenosine deaminase RNA specific; minus strand). Cytogenetic location: 1q21.3.
Variant type: single nucleotide variant.
Coding change: c.2401C>G on transcript NM_001111.5 (MANE Select); coding-DNA position 2401, C replaced by G.
Protein change: p.Arg801Gly; replaces arginine 801 with glycine.
Molecular consequence: missense variant.
Genome position (GRCh38, 1-based): chr1:154,590,279, G>C on the plus strand (C>G on the coding strand, the complement: ADAR is on the minus strand). VCF-style: chr1-154590279-G-C. GRCh37 (hg19) VCF-style: chr1-154562755-G-C.
Other names: c.2344C>G, p.Arg782Gly (NM_015841.4); c.1516C>G, p.Arg506Gly (NM_001025107.3, NM_001193495.2, NM_001365046.1 and 3 more transcripts); c.2428C>G, p.Arg810Gly (NM_001365045.1); c.2401C>G, p.Arg801Gly (NM_015840.4); short protein forms R506G, R782G, R801G, R810G.
Identifiers: ClinVar variation 2119714 (VCV002119714.4), dbSNP rs748161184, ClinGen allele CA30853930.